The following is an entry in ClinVar:

NM_003900.5(SQSTM1):c.240C>G (p.Asp80Glu)

Gene: SQSTM1 (sequestosome 1; plus strand). Cytogenetic location: 5q35.3.
Variant type: single nucleotide variant.
Coding change: c.240C>G on transcript NM_003900.5 (MANE Select); coding-DNA position 240, C replaced by G.
Protein change: p.Asp80Glu; replaces aspartic acid 80 with glutamic acid.
Molecular consequence: missense variant. On other transcripts: 5 prime UTR variant (2).
Genome position (GRCh38, 1-based): chr5:179,822,992, C>G. VCF-style: chr5-179822992-C-G. GRCh37 (hg19) VCF-style: chr5-179249992-C-G.
Other names: c.-13C>G (NM_001142298.2, NM_001142299.2); short protein forms D80E.
Identifiers: ClinVar variation 1687257 (VCV001687257.1), dbSNP rs148366738, ClinGen allele CA3600425.
Genomic context (GRCh38, chr5:179,822,992, plus strand): 5'-CACGTGCTGTCTTTTAAACAATCTAGATGAGGACGGGGACTTGGTTGCCTTTTCCAGTGA[C>G]GAGGAATTGACAATGGCCATGTCCTACGTGAAGGATGACATCTTCCGAATCTACATTAAA-3'
Protein context (NP_003891.1, residues 70-90): EDGDLVAFSS[Asp80Glu]EELTMAMSYV

ClinVar aggregate classification (germline): Uncertain significance (1 of 4 stars; one submission).

Conditions:
Frontotemporal dementia and/or amyotrophic lateral sclerosis 3. Also called: FTDALS3. Identifiers: Orphanet 275864, Orphanet 275872, Orphanet 803, MedGen C4225326, MONDO:0014640, OMIM 616437.

Allele frequency attached by ClinVar (database versions not stated): TOPMed below 0.00001.
gnomAD v4.1: 7 of 1,614,064 alleles (0.00043%); highest among the groups gnomAD compares: African/African-American, 0.0013%; no homozygotes.

Submission:

3billion
Classification: Uncertain significance for Frontotemporal dementia and/or amyotrophic lateral sclerosis 3. Last evaluated: 2022-05-22. Review status: criteria provided, single submitter. Criteria: ACMG Guidelines, 2015. Collection method: clinical testing. Allele origin: germline. Affected: yes. Observed: 1 heterozygote.
Comment: The variant is observed at an extremely low frequency in the gnomAD v2.1.1 dataset (total allele frequency: <0.001%). Protein truncation variants are a common disease-causing mechanism. In silico tool predictions suggest damaging effect of the variant on gene or gene product (REVEL: 0.76; 3Cnet: 0.01). Same nucleotide change resulting in same amino acid change has been previously reported to be associated with SQSTM1 related disorder (PMID: 24899140). However, the evidence of pathogenicity is insufficient at this time. Therefore, this variant is classified as uncertain significanceaccording to the recommendation of ACMG/AMP guideline.

Literature cited by the submitters: PubMed 24899140.